The following is an entry in ClinVar:

NM_004186.5(SEMA3F):c.2333G>A (p.Arg778His)

Gene: SEMA3F (semaphorin 3F; plus strand). Cytogenetic location: 3p21.31.
Variant type: single nucleotide variant.
Coding change: c.2333G>A on transcript NM_004186.5 (MANE Select); coding-DNA position 2333, G replaced by A.
Protein change: p.Arg778His; replaces arginine 778 with histidine.
Molecular consequence: missense variant.
Genome position (GRCh38, 1-based): chr3:50,188,090, G>A. VCF-style: chr3-50188090-G-A. GRCh37 (hg19) VCF-style: chr3-50225523-G-A.
Other names: c.2036G>A, p.Arg679His (NM_001318798.2); c.2240G>A, p.Arg747His (NM_001318800.2); short protein forms R679H, R747H, R778H.
Identifiers: ClinVar variation 3351875 (VCV003351875.1).
Genomic context (GRCh38, chr3:50,188,090, plus strand): 5'-GGGAGGCTCCAGGGGCACCCCGGTCTCCTGAGCCCCAGGACCAGAAAAAGCCCCGGAACC[G>A]CCGGCACCACCCTCCGGACACATGAGGCCAGCTGCCTGTGCCTGCCATGGGCCAGCCTAG-3'
Protein context (NP_004177.3, residues 768-785): EPQDQKKPRN[Arg778His]RHHPPDT

ClinVar aggregate classification (germline): Uncertain significance (0 of 4 stars; one submission).

Conditions:
SEMA3F-related disorder. Also called: SEMA3F-related condition.

gnomAD v4.1: 17 of 1,542,918 alleles (0.0011%); highest among the groups gnomAD compares: South Asian, 0.006%; no homozygotes.

Submission:

PreventionGenetics, part of Exact Sciences
Classification: Uncertain significance for SEMA3F-related condition. Last evaluated: 2023-12-14. Review status: no assertion criteria provided. Collection method: clinical testing. Allele origin: germline.
Comment: The SEMA3F c.2333G>A variant is predicted to result in the amino acid substitution p.Arg778His. To our knowledge, this variant has not been reported in the literature. This variant is reported in 0.0048% of alleles in individuals of South Asian descent in gnomAD. At this time, the clinical significance of this variant is uncertain due to the absence of conclusive functional and genetic evidence.